The following is an entry in ClinVar:

ClinVar aggregate classification (germline): Uncertain significance (1 of 4 stars; one submission).

gnomAD v4.1: 1 of 1,614,200 alleles (0.000062%); highest among the groups gnomAD compares: Non-Finnish European, 0.000085%; no homozygotes.

Submission:

Labcorp Genetics (formerly Invitae), Labcorp
Classification: Uncertain significance. Last evaluated: 2025-06-30. Review status: criteria provided, single submitter. Criteria: Invitae Variant Classification Sherloc (09022015). Collection method: clinical testing. Allele origin: germline.
Comment: This sequence change replaces histidine, which is basic and polar, with tyrosine, which is neutral and polar, at codon 560 of the MARS2 protein (p.His560Tyr). This variant is not present in population databases (gnomAD no frequency). This variant has not been reported in the literature in individuals affected with MARS2-related conditions. An algorithm developed to predict the effect of missense changes on protein structure and function (PolyPhen-2) suggests that this variant is likely to be tolerated. In summary, the available evidence is currently insufficient to determine the role of this variant in disease. Therefore, it has been classified as a Variant of Uncertain Significance.

NM_138395.4(MARS2):c.1678C>T (p.His560Tyr)

Gene: MARS2 (methionyl-tRNA synthetase 2, mitochondrial; plus strand). Cytogenetic location: 2q33.1.
Variant type: single nucleotide variant.
Coding change: c.1678C>T on transcript NM_138395.4 (MANE Select); coding-DNA position 1678, C replaced by T.
Protein change: p.His560Tyr; replaces histidine 560 with tyrosine.
Molecular consequence: missense variant.
Genome position (GRCh38, 1-based): chr2:197,707,083, C>T. VCF-style: chr2-197707083-C-T. GRCh37 (hg19) VCF-style: chr2-198571807-C-T.
Other names: short protein forms H560Y.
Identifiers: ClinVar variation 4722152 (VCV004722152.1).